The following is an entry in ClinVar:

ClinVar aggregate classification (germline): Uncertain significance (1 of 4 stars; one submission).

Conditions:
MEGF8-related Carpenter syndrome. Also called: Carpenter syndrome 2. Identifiers: Orphanet 65759, MedGen C3554247, MONDO:0013998, OMIM 614976.

Allele frequency attached by ClinVar (database versions not stated): ExAC 0.00001; gnomAD 0.00001; gnomAD exomes 0.00001; TOPMed 0.00002; 1000 Genomes Project 30x 0.00016; 1000 Genomes Project 0.00020.
gnomAD v4.1: 13 of 1,611,842 alleles (0.00081%); highest among the groups gnomAD compares: Middle Eastern, 0.017%; no homozygotes.

Submission:

Labcorp Genetics (formerly Invitae), Labcorp
Classification: Uncertain significance for MEGF8-related Carpenter syndrome. Last evaluated: 2024-02-18. Review status: criteria provided, single submitter. Criteria: Invitae Variant Classification Sherloc (09022015). Collection method: clinical testing. Allele origin: germline.
Comment: This sequence change replaces leucine, which is neutral and non-polar, with methionine, which is neutral and non-polar, at codon 2004 of the MEGF8 protein (p.Leu2004Met). This variant is present in population databases (rs202175287, gnomAD 0.01%). This variant has not been reported in the literature in individuals affected with MEGF8-related conditions. ClinVar contains an entry for this variant (Variation ID: 2022307). An algorithm developed to predict the effect of missense changes on protein structure and function (PolyPhen-2) suggests that this variant is likely to be disruptive. In summary, the available evidence is currently insufficient to determine the role of this variant in disease. Therefore, it has been classified as a Variant of Uncertain Significance.

NM_001271938.2(MEGF8):c.6211C>A (p.Leu2071Met)

Gene: MEGF8 (multiple EGF like domains 8; plus strand). Cytogenetic location: 19q13.2.
Variant type: single nucleotide variant.
Coding change: c.6211C>A on transcript NM_001271938.2 (MANE Select); coding-DNA position 6211, C replaced by A.
Protein change: p.Leu2071Met; replaces leucine 2071 with methionine.
Molecular consequence: missense variant.
Genome position (GRCh38, 1-based): chr19:42,363,200, C>A. VCF-style: chr19-42363200-C-A. GRCh37 (hg19) VCF-style: chr19-42867352-C-A.
Other names: c.6010C>A, p.Leu2004Met (NM_001410.3); short protein forms L2004M, L2071M.
Identifiers: ClinVar variation 2022307 (VCV002022307.3), dbSNP rs202175287, ClinGen allele CA9475799.